The following is an entry in ClinVar:

ClinVar aggregate classification (germline): Uncertain significance. Review status: criteria provided, multiple submitters, no conflicts (2 of 4 stars). 3 submissions from 3 submitters: Uncertain significance (3). Last evaluated 2025-09-05.

Conditions:
Inborn genetic diseases. Identifiers: MedGen C0950123, MeSH D030342.

Allele frequency attached by ClinVar (database versions not stated): gnomAD exomes 0.00002; TOPMed 0.00002; ExAC 0.00003; gnomAD 0.00003.
gnomAD v4.1: 28 of 1,569,168 alleles (0.0018%); highest among the groups gnomAD compares: East Asian, 0.0022%; no homozygotes.

Submissions (3):

Ambry Genetics
Classification: Uncertain significance for Inborn genetic diseases. Last evaluated: 2025-09-05. Review status: criteria provided, single submitter. Criteria: Ambry Variant Classification Scheme 2023. Collection method: clinical testing. Allele origin: germline.

Labcorp Genetics (formerly Invitae), Labcorp
Classification: Uncertain significance. Last evaluated: 2022-07-09. Review status: criteria provided, single submitter. Criteria: Invitae Variant Classification Sherloc (09022015). Collection method: clinical testing. Allele origin: germline.
Comment: This sequence change replaces proline, which is neutral and non-polar, with leucine, which is neutral and non-polar, at codon 557 of the CERKL protein (p.Pro557Leu). This variant is present in population databases (rs763552735, gnomAD 0.004%). This variant has not been reported in the literature in individuals affected with CERKL-related conditions. Algorithms developed to predict the effect of missense changes on protein structure and function output the following: SIFT: "Tolerated"; PolyPhen-2: "Benign"; Align-GVGD: "Class C0". The leucine amino acid residue is found in multiple mammalian species, which suggests that this missense change does not adversely affect protein function. In summary, the available evidence is currently insufficient to determine the role of this variant in disease. Therefore, it has been classified as a Variant of Uncertain Significance.

Blueprint Genetics
Classification: Uncertain significance. Last evaluated: 2021-06-25. Review status: criteria provided, single submitter. Criteria: ACMG Guidelines, 2015. Collection method: clinical testing. Allele origin: germline.

NM_201548.5(CERKL):c.1592C>T (p.Pro531Leu)

Genes: CERKL (CERK like autophagy regulator; minus strand), ITGA4 (integrin subunit alpha 4; plus strand). Cytogenetic location: 2q31.3.
Variant type: single nucleotide variant.
Coding change: c.1592C>T on transcript NM_201548.5 (MANE Select); coding-DNA position 1592, C replaced by T.
Protein change: p.Pro531Leu; replaces proline 531 with leucine.
Molecular consequence: missense variant. On other transcripts: 3 prime UTR variant (1), non-coding transcript variant (2).
Genome position (GRCh38, 1-based): chr2:181,538,191, G>A on the plus strand (C>T on the coding strand, the complement: CERKL is on the minus strand). VCF-style: chr2-181538191-G-A. GRCh37 (hg19) VCF-style: chr2-182402918-G-A.
Other names: c.1670C>T (NM_001030311.2); c.*2664G>A (NM_000885.6); c.1670C>T, p.Pro557Leu (NM_001030311.3); c.1253C>T, p.Pro418Leu (NM_001030312.3); c.1385C>T, p.Pro462Leu (NM_001030313.3); c.1538C>T, p.Pro513Leu (NM_001160277.2); short protein forms P418L, P557L, P462L, P513L, P531L.
Identifiers: ClinVar variation 2162987 (VCV002162987.3), dbSNP rs763552735, ClinGen allele CA2010370.